The following is an entry in ClinVar:

NM_003995.4(NPR2):c.1924C>T (p.His642Tyr)

Gene: NPR2 (natriuretic peptide receptor 2; plus strand). Cytogenetic location: 9p13.3.
Variant type: single nucleotide variant.
Coding change: c.1924C>T on transcript NM_003995.4 (MANE Select); coding-DNA position 1924, C replaced by T.
Protein change: p.His642Tyr; replaces histidine 642 with tyrosine.
Molecular consequence: missense variant.
Genome position (GRCh38, 1-based): chr9:35,805,547, C>T. VCF-style: chr9-35805547-C-T. GRCh37 (hg19) VCF-style: chr9-35805544-C-T.
Other names: c.1924C>T (NM_003995.3); c.1933C>T, p.His645Tyr (NM_001378923.1); short protein forms H642Y, H645Y.
Identifiers: ClinVar variation 1683473 (VCV001683473.8), dbSNP rs2132089495, ClinGen allele CA373376287.

ClinVar aggregate classification (germline): Conflicting classifications of pathogenicity. Review status: criteria provided, conflicting classifications (1 of 4 stars). 3 submissions from 3 submitters: Likely pathogenic (1); Uncertain significance (2). Last evaluated 2023-11-27.

Conditions:
NPR2-related disorder. Also called: NPR2-related disorders; NPR2-related condition.
Tall stature-scoliosis-macrodactyly of the great toes syndrome. Also called: Epiphyseal chondrodysplasia, miura type. Identifiers: Orphanet 329191, MedGen C4014690, MONDO:0014401, OMIM 615923.
Acromesomelic dysplasia 1, Maroteaux type (AMD1). Also called: ST. HELENA DYSPLASIA; ACROMESOMELIC DYSPLASIA 1. Identifiers: Orphanet 40, MedGen C1864356, MONDO:0011275, OMIM 602875.

Submissions (3):

Labcorp Genetics (formerly Invitae), Labcorp
Classification: Uncertain significance for Tall stature-scoliosis-macrodactyly of the great toes syndrome; Acromesomelic dysplasia 1, Maroteaux type. Last evaluated: 2023-11-27. Review status: criteria provided, single submitter. Criteria: Invitae Variant Classification Sherloc (09022015). Collection method: clinical testing. Allele origin: germline.
Comment: This sequence change replaces histidine, which is basic and polar, with tyrosine, which is neutral and polar, at codon 642 of the NPR2 protein (p.His642Tyr). This variant is not present in population databases (gnomAD no frequency). This variant has not been reported in the literature in individuals affected with NPR2-related conditions. ClinVar contains an entry for this variant (Variation ID: 1683473). Advanced modeling of protein sequence and biophysical properties (such as structural, functional, and spatial information, amino acid conservation, physicochemical variation, residue mobility, and thermodynamic stability) performed at Invitae indicates that this missense variant is expected to disrupt NPR2 protein function with a positive predictive value of 80%. In summary, the available evidence is currently insufficient to determine the role of this variant in disease. Therefore, it has been classified as a Variant of Uncertain Significance.

PreventionGenetics, part of Exact Sciences
Classification: Uncertain significance for NPR2-related condition. Last evaluated: 2023-08-16. Review status: criteria provided, single submitter. Criteria: ACMG Guidelines, 2015. Collection method: clinical testing. Allele origin: germline.
Comment: The NPR2 c.1924C>T variant is predicted to result in the amino acid substitution p.His642Tyr. To our knowledge, this variant has not been reported in the literature or in a large population database, indicating this variant is rare. At this time, the clinical significance of this variant is uncertain due to the absence of conclusive functional and genetic evidence.

Laboratory of Inherited Metabolic Diseases, Research centre for medical genetics
Classification: Likely pathogenic for Acromesomelic dysplasia 1, Maroteaux type. Last evaluated: 2022-04-01. Review status: criteria provided, single submitter. Criteria: ACMG Guidelines, 2015. Collection method: clinical testing. Allele origin: inherited. Affected: yes. Observed: 1 variant allele.